The following is an entry in ClinVar:

ClinVar aggregate classification (germline): Uncertain significance. Review status: criteria provided, multiple submitters, no conflicts (2 of 4 stars). 3 submissions from 3 submitters: Uncertain significance (3). Last evaluated 2025-01-19.

Conditions:
Fanconi anemia (FA). Also called: Fanconi's anemia. Identifiers: Orphanet 84, MedGen C0015625, MeSH D005199, MONDO:0019391.
Inborn genetic diseases. Identifiers: MedGen C0950123, MeSH D030342.

Allele frequency attached by ClinVar (database versions not stated): gnomAD exomes below 0.00001; gnomAD 0.00003; TOPMed 0.00003.
gnomAD v4.1: 8 of 1,612,286 alleles (0.0005%); highest among the groups gnomAD compares: African/African-American, 0.0067%; no homozygotes.

Submissions (3):

Labcorp Genetics (formerly Invitae), Labcorp
Classification: Uncertain significance for Fanconi anemia. Last evaluated: 2025-01-19. Review status: criteria provided, single submitter. Criteria: Invitae Variant Classification Sherloc (09022015). Collection method: clinical testing. Allele origin: germline.
Comment: This sequence change replaces alanine, which is neutral and non-polar, with valine, which is neutral and non-polar, at codon 129 of the FANCD2 protein (p.Ala129Val). This variant is present in population databases (no rsID available, gnomAD 0.008%). This variant has not been reported in the literature in individuals affected with FANCD2-related conditions. ClinVar contains an entry for this variant (Variation ID: 2443524). Invitae Evidence Modeling of protein sequence and biophysical properties (such as structural, functional, and spatial information, amino acid conservation, physicochemical variation, residue mobility, and thermodynamic stability) indicates that this missense variant is not expected to disrupt FANCD2 protein function with a negative predictive value of 80%. In summary, the available evidence is currently insufficient to determine the role of this variant in disease. Therefore, it has been classified as a Variant of Uncertain Significance.

Ambry Genetics
Classification: Uncertain significance for Inborn genetic diseases. Last evaluated: 2024-02-17. Review status: criteria provided, single submitter. Criteria: Ambry Variant Classification Scheme 2023. Collection method: clinical testing. Allele origin: germline.

GeneDx
Classification: Uncertain significance. Last evaluated: 2022-09-09. Review status: criteria provided, single submitter. Criteria: GeneDx Variant Classification Process June 2021. Collection method: clinical testing. Allele origin: germline. Affected: yes.
Comment: In silico analysis supports that this missense variant does not alter protein structure/function; Has not been previously published as pathogenic or benign to our knowledge

NM_001018115.3(FANCD2):c.386C>T (p.Ala129Val)

Genes: FANCD2 (FA complementation group D2; plus strand), LOC107303338 (3p25 FANCD2 Alu-mediated recombination region; plus strand). Cytogenetic location: 3p25.3.
Variant type: single nucleotide variant.
Coding change: c.386C>T on transcript NM_001018115.3 (MANE Select); coding-DNA position 386, C replaced by T.
Protein change: p.Ala129Val; replaces alanine 129 with valine.
Molecular consequence: missense variant.
Genome position (GRCh38, 1-based): chr3:10,035,181, C>T. VCF-style: chr3-10035181-C-T. GRCh37 (hg19) VCF-style: chr3-10076865-C-T.
Other names: c.386C>T, p.Ala129Val (NM_001319984.2, NM_001374253.1, NM_001374254.1 and 2 more transcripts); short protein forms A129V.
Identifiers: ClinVar variation 2443524 (VCV002443524.4), dbSNP rs932141545, ClinGen allele CA70022289.